The following is an entry in ClinVar:

NM_020975.6(RET):c.73+10G>C

Gene: RET (ret proto-oncogene; plus strand). Cytogenetic location: 10q11.21.
Variant type: single nucleotide variant.
Coding change: c.73+10G>C on transcript NM_020975.6 (MANE Select); 10 bases into the intron after coding-DNA position 73, G replaced by C.
Molecular consequence: intron variant.
Genome position (GRCh38, 1-based): chr10:43,077,341, G>C. VCF-style: chr10-43077341-G-C. GRCh37 (hg19) VCF-style: chr10-43572789-G-C.
Other names: c.73+10G>C (NM_020630.7, NM_001406743.1, NM_001406744.1 and 36 more transcripts).
Identifiers: ClinVar variation 413478 (VCV000413478.14), dbSNP rs1052703455, ClinGen allele CA16612995.

ClinVar aggregate classification (germline): Likely benign. Review status: criteria provided, multiple submitters, no conflicts (2 of 4 stars). 3 submissions from 3 submitters: Likely benign (3). Last evaluated 2025-12-20.

Conditions:
RET-related disorder. Also called: RET-related disorders; RET-related condition; RET-related disease.
Multiple endocrine neoplasia, type 2 (MEN2). Identifiers: Orphanet 653, MedGen C4048306, MONDO:0019003. Disease mechanism: gain of function.

Allele frequency attached by ClinVar (database versions not stated): TOPMed 0.00001.
gnomAD v4.1: 6 of 1,506,076 alleles (0.0004%); highest among the groups gnomAD compares: Admixed American, 0.0021%; no homozygotes.

Submissions (3):

Labcorp Genetics (formerly Invitae), Labcorp
Classification: Likely benign for Multiple endocrine neoplasia, type 2. Last evaluated: 2025-12-20. Review status: criteria provided, single submitter. Criteria: Invitae Variant Classification Sherloc (09022015). Collection method: clinical testing. Allele origin: germline.

PreventionGenetics, part of Exact Sciences
Classification: Likely benign for RET-related condition. Last evaluated: 2025-05-05. Review status: criteria provided, single submitter. Criteria: ACMG Guidelines, 2015. Collection method: clinical testing. Allele origin: germline.
Comment: This variant is classified as likely benign based on ACMG/AMP sequence variant interpretation guidelines (Richards et al. 2015 PMID: 25741868, with internal and published modifications).

Blueprint Genetics
Classification: Likely benign. Last evaluated: 2023-03-03. Review status: criteria provided, single submitter. Criteria: ACMG Guidelines, 2015. Collection method: clinical testing. Allele origin: germline.